The following is an entry in ClinVar:

ClinVar aggregate classification (germline): Uncertain significance (1 of 4 stars; one submission).

Conditions:
SH2B1-related disorder. Also called: SH2B1-related condition.

gnomAD v4.1: 63 of 1,602,878 alleles (0.0039%); highest among the groups gnomAD compares: East Asian, 0.0067%; no homozygotes.

Submission:

PreventionGenetics, part of Exact Sciences
Classification: Uncertain significance for SH2B1-related condition. Last evaluated: 2026-08-02. Review status: criteria provided, single submitter. Criteria: ACMG Guidelines, 2015. Collection method: clinical testing. Allele origin: germline.
Comment: The SH2B1 c.896A>G variant is predicted to result in the amino acid substitution p.Glu299Gly. This variant has been reported in a patient with a BMI of 40, hyperactivity/inattention and aggression/emotional lability, although conclusive evidence of pathogenicity was not presented (Flores et al. 2019. PubMed ID: 31439647). This variant is reported in 0.0056% of alleles in individuals of East Asian descent in gnomAD. At this time, the clinical significance of this variant is uncertain due to the absence of conclusive functional and genetic evidence.

NM_001387430.1(SH2B1):c.896A>G (p.Glu299Gly)

Gene: SH2B1 (SH2B adaptor protein 1; plus strand). Cytogenetic location: 16p11.2.
Variant type: single nucleotide variant.
Coding change: c.896A>G on transcript NM_001387430.1 (MANE Select); coding-DNA position 896, A replaced by G.
Protein change: p.Glu299Gly; replaces glutamic acid 299 with glycine.
Molecular consequence: missense variant. On other transcripts: intron variant (1).
Genome position (GRCh38, 1-based): chr16:28,866,990, A>G. VCF-style: chr16-28866990-A-G. GRCh37 (hg19) VCF-style: chr16-28878311-A-G.
Other names: c.896A>G, p.Glu299Gly (NM_001145795.2, NM_001145796.2, NM_001145797.2 and 4 more transcripts); c.-26-384A>G (NM_001308294.2); short protein forms E299G.
Identifiers: ClinVar variation 4989094 (VCV004989094.1).